The following is an entry in ClinVar:

NM_015295.3(SMCHD1):c.3514+4A>G

Gene: SMCHD1 (structural maintenance of chromosomes flexible hinge domain containing 1; plus strand). Cytogenetic location: 18p11.32.
Variant type: single nucleotide variant.
Coding change: c.3514+4A>G on transcript NM_015295.3 (MANE Select); 4 bases into the intron after coding-DNA position 3514, A replaced by G.
Molecular consequence: intron variant.
Genome position (GRCh38, 1-based): chr18:2,739,524, A>G. VCF-style: chr18-2739524-A-G. GRCh37 (hg19) VCF-style: chr18-2739522-A-G.
Identifiers: ClinVar variation 597685 (VCV000597685.9), dbSNP rs754405751, ClinGen allele CA295476655.
Genomic context (GRCh38, chr18:2,739,524, plus strand): 5'-GTGAAATGAAAGGAGGAAAAACAGTACAGATGGGCCAAGAGCTTCAAGGAGAAGTAGGTT[A>G]GTATGGCTTGCTTTAAAAAACAAACAACAAAAAAATCTTCTGTGATGTTTCCTTCCATGG-3'

ClinVar aggregate classification (germline): Uncertain significance. Review status: criteria provided, multiple submitters, no conflicts (2 of 4 stars). 2 submissions from 2 submitters: Uncertain significance (2). Last evaluated 2025-11-11.

Conditions:
Facioscapulohumeral muscular dystrophy 2 (FSHD2). Also called: MUSCULAR DYSTROPHY, FACIOSCAPULOHUMERAL, TYPE 1B; FACIOSCAPULOHUMERAL MUSCULAR DYSTROPHY 2, DIGENIC; FSHD2, DIGENIC. Identifiers: Orphanet 269, MedGen C1834671, MONDO:0008031, OMIM 158901.

Allele frequency attached by ClinVar (database versions not stated): gnomAD exomes 0.00005 and 0.00006; TOPMed 0.00011; gnomAD 0.00013 and 0.00014.
gnomAD v4.1: 99 of 1,606,300 alleles (0.0062%); highest among the groups gnomAD compares: Admixed American, 0.045%; 1 homozygote.

Submissions (2):

Labcorp Genetics (formerly Invitae), Labcorp
Classification: Uncertain significance for Facioscapulohumeral muscular dystrophy 2. Last evaluated: 2025-11-11. Review status: criteria provided, single submitter. Criteria: Invitae Variant Classification Sherloc (09022015). Collection method: clinical testing. Allele origin: germline.
Comment: This sequence change falls in intron 27 of the SMCHD1 gene. It does not directly change the encoded amino acid sequence of the SMCHD1 protein. It affects a nucleotide within the consensus splice site. This variant is present in population databases (rs754405751, gnomAD 0.03%). This variant has not been reported in the literature in individuals affected with SMCHD1-related conditions. ClinVar contains an entry for this variant (Variation ID: 597685). Variants that disrupt the consensus splice site are a relatively common cause of aberrant splicing (PMID: 17576681, 9536098). Algorithms developed to predict the effect of sequence changes on RNA splicing suggest that this variant may create or strengthen a splice site. In summary, the available evidence is currently insufficient to determine the role of this variant in disease. Therefore, it has been classified as a Variant of Uncertain Significance.

Eurofins Ntd Llc (ga)
Classification: Uncertain significance. Last evaluated: 2018-06-25. Review status: criteria provided, single submitter. Criteria: EGL ClinVar v180209 classification definitions. Collection method: clinical testing. Allele origin: germline. Observed: 1 variant allele, 1 heterozygote.

Literature cited by the submitters: PubMed 17576681 (cited by Labcorp Genetics (formerly Invitae), Labcorp); PubMed 9536098 (cited by Labcorp Genetics (formerly Invitae), Labcorp).